The following is an entry in ClinVar:

NM_002905.5(RDH5):c.777G>A (p.Pro259=)

Genes: CD63 (CD63 molecule; minus strand), RDH5 (retinol dehydrogenase 5; plus strand), BLOC1S1-RDH5 (BLOC1S1-RDH5 readthrough; plus strand). Cytogenetic location: 12q13.2.
Variant type: single nucleotide variant.
Coding change: c.777G>A on transcript NM_002905.5 (MANE Select); coding-DNA position 777, G replaced by A.
Protein change: p.Pro259=; no amino-acid change (proline 259 retained).
Molecular consequence: synonymous variant. On other transcripts: non-coding transcript variant (1).
Genome position (GRCh38, 1-based): chr12:55,724,365, G>A. VCF-style: chr12-55724365-G-A. GRCh37 (hg19) VCF-style: chr12-56118149-G-A.
Other names: c.777G>A, p.Pro259= (NM_001199771.3); c.777G>A (NM_002905.3).
Identifiers: ClinVar variation 1046125 (VCV001046125.6), dbSNP rs543433718, ClinGen allele CA6616958.

ClinVar aggregate classification (germline): Conflicting classifications of pathogenicity. Review status: criteria provided, conflicting classifications (1 of 4 stars). 2 submissions from 2 submitters: Uncertain significance (1); Likely benign (1). Last evaluated 2026-05-31.

Conditions:
RDH5-related disorder. Also called: RDH5-related condition.

Allele frequency attached by ClinVar (database versions not stated): 1000 Genomes Project 30x 0.00016; 1000 Genomes Project 0.00020.
gnomAD v4.1: 19 of 1,614,174 alleles (0.0012%); highest among the groups gnomAD compares: Admixed American, 0.0083%; no homozygotes.

Submissions (2):

PreventionGenetics, part of Exact Sciences
Classification: Uncertain significance for RDH5-related condition. Last evaluated: 2026-05-31. Review status: criteria provided, single submitter. Criteria: ACMG Guidelines, 2015. Collection method: clinical testing. Allele origin: germline.
Comment: The RDH5 c.777G>A variant is not predicted to result in an amino acid change (p.=). This variant is predicted to impact splicing by one available splicing prediction algorithm (SpliceAI, Jaganathan et al. 2019. PubMed ID: 30661751). To our knowledge, this variant has not been reported in the literature. This variant is reported in 0.00088% of alleles in individuals of European (Non-Finnish) descent in gnomAD. At this time, the clinical significance of this variant is uncertain due to the absence of conclusive functional and genetic evidence.

Labcorp Genetics (formerly Invitae), Labcorp
Classification: Likely benign. Last evaluated: 2025-12-02. Review status: criteria provided, single submitter. Criteria: Invitae Variant Classification Sherloc (09022015). Collection method: clinical testing. Allele origin: germline.